The following is an entry in ClinVar:

ClinVar aggregate classification (germline): Uncertain significance (1 of 4 stars; one submission).

gnomAD v4.1: 92 of 1,613,574 alleles (0.0057%); highest among the groups gnomAD compares: South Asian, 0.096%; no homozygotes.

Submission:

Labcorp Genetics (formerly Invitae), Labcorp
Classification: Uncertain significance. Last evaluated: 2025-10-27. Review status: criteria provided, single submitter. Criteria: Invitae Variant Classification Sherloc (09022015). Collection method: clinical testing. Allele origin: germline.
Comment: This sequence change creates a premature translational stop signal (p.Gln266*) in the CEP89 gene. It is expected to result in an absent or disrupted protein product. However, the current clinical and genetic evidence is not sufficient to establish whether loss-of-function variants in CEP89 cause disease. This variant is present in population databases (rs542340255, gnomAD 0.1%), and has an allele count higher than expected for a pathogenic variant. This variant has not been reported in the literature in individuals affected with CEP89-related conditions. Algorithms developed to predict the effect of sequence changes on RNA splicing suggest that this variant may disrupt the consensus splice site. In summary, the available evidence is currently insufficient to determine the role of this variant in disease. Therefore, it has been classified as a Variant of Uncertain Significance.

NM_032816.5(CEP89):c.796C>T (p.Gln266Ter)

Gene: CEP89 (centrosomal protein 89; minus strand). Cytogenetic location: 19q13.11.
Variant type: single nucleotide variant.
Coding change: c.796C>T on transcript NM_032816.5 (MANE Select); coding-DNA position 796, C replaced by T.
Protein change: p.Gln266Ter; replaces glutamine 266 with a stop codon.
Molecular consequence: nonsense.
Genome position (GRCh38, 1-based): chr19:32,933,541, G>A on the plus strand (C>T on the coding strand, the complement: CEP89 is on the minus strand). VCF-style: chr19-32933541-G-A. GRCh37 (hg19) VCF-style: chr19-33424447-G-A.
Other names: short protein forms Q266*.
Identifiers: ClinVar variation 4750207 (VCV004750207.1).